The following is an entry in ClinVar:

ClinVar aggregate classification (germline): Uncertain significance. Review status: criteria provided, multiple submitters, no conflicts (2 of 4 stars). 2 submissions from 2 submitters: Uncertain significance (2). Last evaluated 2024-11-28.

Conditions:
MN1-related disorder. Also called: MN1-related condition.
Inborn genetic diseases. Identifiers: MedGen C0950123, MeSH D030342.

Allele frequency attached by ClinVar (database versions not stated): gnomAD 0.00001; gnomAD exomes 0.00002; TOPMed 0.00002.
gnomAD v4.1: 33 of 1,528,942 alleles (0.0022%); highest among the groups gnomAD compares: Non-Finnish European, 0.0028%; no homozygotes.

Submissions (2):

Ambry Genetics
Classification: Uncertain significance for Inborn genetic diseases. Last evaluated: 2024-11-28. Review status: criteria provided, single submitter. Criteria: Ambry Variant Classification Scheme 2023. Collection method: clinical testing. Allele origin: germline.

PreventionGenetics, part of Exact Sciences
Classification: Uncertain significance for MN1-related condition. Last evaluated: 2023-04-26. Review status: criteria provided, single submitter. Criteria: ACMG Guidelines, 2015. Collection method: clinical testing. Allele origin: germline.
Comment: The MN1 c.2276G>A variant is predicted to result in the amino acid substitution p.Ser759Asn. To our knowledge, this variant has not been reported in the literature or in a large population database, indicating this variant is rare. At this time, the clinical significance of this variant is uncertain due to the absence of conclusive functional and genetic evidence.

NM_002430.3(MN1):c.2276G>A (p.Ser759Asn)

Gene: MN1 (MN1 proto-oncogene, transcriptional regulator; minus strand). Cytogenetic location: 22q12.1.
Variant type: single nucleotide variant.
Coding change: c.2276G>A on transcript NM_002430.3 (MANE Select); coding-DNA position 2276, G replaced by A.
Protein change: p.Ser759Asn; replaces serine 759 with asparagine.
Molecular consequence: missense variant.
Genome position (GRCh38, 1-based): chr22:27,798,268, C>T on the plus strand (G>A on the coding strand, the complement: MN1 is on the minus strand). VCF-style: chr22-27798268-C-T. GRCh37 (hg19) VCF-style: chr22-28194256-C-T.
Other names: short protein forms S759N.
Identifiers: ClinVar variation 2632951 (VCV002632951.2), dbSNP rs1330671939, ClinGen allele CA411046016.